The following is an entry in ClinVar:

ClinVar aggregate classification (germline): Benign. Review status: criteria provided, multiple submitters, no conflicts (2 of 4 stars). 5 submissions from 5 submitters: Benign (4). 1 of the submissions does not count toward it. Last evaluated 2024-11-01.

Conditions:
MUC5B-related disorder. Also called: MUC5B-related condition.

Allele frequency attached by ClinVar (database versions not stated): 1000 Genomes Project 30x 0.00344; 1000 Genomes Project 0.00379; gnomAD 0.00630 and 0.00631; gnomAD exomes 0.00636 and 0.00935; ExAC 0.00661; TOPMed 0.00703; ESP Exome Variant Server 0.00731.
gnomAD v4.1: 14,628 of 1,611,870 alleles (0.91%); highest among the groups gnomAD compares: Middle Eastern, 1.1%; 83 homozygotes.

Submissions (20):

CeGaT Center for Human Genetics Tuebingen
Classification: Benign. Last evaluated: 2024-11-01. Review status: criteria provided, single submitter. Criteria: CeGaT Center For Human Genetics Tuebingen Variant Classification Criteria Version 2. Collection method: clinical testing. Allele origin: germline. Affected: yes. Observed: 4 variant alleles.
Comment: MUC5B: BP4, BP7, BS1, BS2

Labcorp Genetics (formerly Invitae), Labcorp
Classification: Benign. Last evaluated: 2019-12-31. Review status: criteria provided, single submitter. Criteria: Invitae Variant Classification Sherloc (09022015). Collection method: clinical testing. Allele origin: germline.

Laboratory for Molecular Medicine, Mass General Brigham Personalized Medicine
Classification: Benign. Last evaluated: 2013-02-21. Review status: criteria provided, single submitter. Criteria: LMM Criteria. Collection method: clinical testing. Allele origin: germline. Observed: 1 variant allele.
Comment: Cys5681Cys in exon 48 of MUC5B: This variant is not expected to have clinical si gnificance because it does not alter an amino acid residue and is not located wi thin the splice consensus sequence. It has been identified in 0.9% (80/8450) of European American chromosomes from a broad population by the NHLBI Exome Sequenc ing Project (dbSNP rs61734215).

Breakthrough Genomics
Classification: Benign. Review status: criteria provided, single submitter. Criteria: ACMG Guidelines, 2015. Collection method: not provided. Allele origin: germline. Inheritance: Autosomal dominant inheritance. Affected: yes.

PreventionGenetics, part of Exact Sciences
Classification: Benign for MUC5B-related condition. Last evaluated: 2024-08-31. Review status: no assertion criteria provided. Collection method: clinical testing. Allele origin: germline. Not counted in ClinVar's aggregate classification.
Comment: This variant is classified as benign based on ACMG/AMP sequence variant interpretation guidelines (Richards et al. 2015 PMID: 25741868, with internal and published modifications).

Dr. Peter K. Rogan Lab, Western University
No classification provided (evidence only). Condition: Clear cell carcinoma of kidney. Review status: no classification provided. Collection method: in vitro. Allele origin: not applicable. Functional consequence: retained intron. Not counted in ClinVar's aggregate classification.

Dr. Peter K. Rogan Lab, Western University
No classification provided (evidence only). Condition: Clear cell carcinoma of kidney. Review status: no classification provided. Collection method: in vitro. Allele origin: not applicable. Functional consequence: retained intron. Not counted in ClinVar's aggregate classification.

Dr. Peter K. Rogan Lab, Western University
No classification provided (evidence only). Condition: Lung cancer. Review status: no classification provided. Collection method: in vitro. Allele origin: not applicable. Functional consequence: retained intron. Not counted in ClinVar's aggregate classification.

Dr. Peter K. Rogan Lab, Western University
No classification provided (evidence only). Condition: Lung cancer. Review status: no classification provided. Collection method: in vitro. Allele origin: not applicable. Functional consequence: retained intron. Not counted in ClinVar's aggregate classification.

Dr. Peter K. Rogan Lab, Western University
No classification provided (evidence only). Condition: Lung cancer. Review status: no classification provided. Collection method: in vitro. Allele origin: not applicable. Functional consequence: retained intron. Not counted in ClinVar's aggregate classification.

Dr. Peter K. Rogan Lab, Western University
No classification provided (evidence only). Condition: Lung cancer. Review status: no classification provided. Collection method: in vitro. Allele origin: not applicable. Functional consequence: retained intron. Not counted in ClinVar's aggregate classification.

Dr. Peter K. Rogan Lab, Western University
No classification provided (evidence only). Condition: Colon adenocarcinoma. Review status: no classification provided. Collection method: in vitro. Allele origin: not applicable. Functional consequence: retained intron. Not counted in ClinVar's aggregate classification.

Dr. Peter K. Rogan Lab, Western University
No classification provided (evidence only). Condition: Uterine corpus endometrial carcinoma. Review status: no classification provided. Collection method: in vitro. Allele origin: not applicable. Functional consequence: retained intron. Not counted in ClinVar's aggregate classification.

Dr. Peter K. Rogan Lab, Western University
No classification provided (evidence only). Condition: Cervical cancer. Review status: no classification provided. Collection method: in vitro. Allele origin: not applicable. Functional consequence: retained intron. Not counted in ClinVar's aggregate classification.

Dr. Peter K. Rogan Lab, Western University
No classification provided (evidence only). Condition: Nonpapillary renal cell carcinoma. Review status: no classification provided. Collection method: in vitro. Allele origin: not applicable. Functional consequence: retained intron. Not counted in ClinVar's aggregate classification.

Dr. Peter K. Rogan Lab, Western University
No classification provided (evidence only). Condition: Ovarian serous cystadenocarcinoma. Review status: no classification provided. Collection method: in vitro. Allele origin: not applicable. Functional consequence: retained intron. Not counted in ClinVar's aggregate classification.

Dr. Peter K. Rogan Lab, Western University
No classification provided (evidence only). Condition: Ovarian serous cystadenocarcinoma. Review status: no classification provided. Collection method: in vitro. Allele origin: not applicable. Functional consequence: retained intron. Not counted in ClinVar's aggregate classification.

Dr. Peter K. Rogan Lab, Western University
No classification provided (evidence only). Condition: Gastric cancer. Review status: no classification provided. Collection method: in vitro. Allele origin: not applicable. Functional consequence: retained intron. Not counted in ClinVar's aggregate classification.

Dr. Peter K. Rogan Lab, Western University
No classification provided (evidence only). Condition: Uterine carcinosarcoma. Review status: no classification provided. Collection method: in vitro. Allele origin: not applicable. Functional consequence: retained intron. Not counted in ClinVar's aggregate classification.

Dr. Peter K. Rogan Lab, Western University
No classification provided (evidence only). Condition: Malignant tumor of esophagus. Review status: no classification provided. Collection method: in vitro. Allele origin: not applicable. Functional consequence: retained intron. Not counted in ClinVar's aggregate classification.

NM_002458.3(MUC5B):c.17043C>T (p.Cys5681=)

Gene: MUC5B (mucin 5B, oligomeric mucus/gel-forming; plus strand). Cytogenetic location: 11p15.5.
Variant type: single nucleotide variant.
Coding change: c.17043C>T on transcript NM_002458.3 (MANE Select); coding-DNA position 17043, C replaced by T.
Protein change: p.Cys5681=; no amino-acid change (cysteine 5681 retained).
Molecular consequence: synonymous variant.
Genome position (GRCh38, 1-based): chr11:1,260,702, C>T. VCF-style: chr11-1260702-C-T. GRCh37 (hg19) VCF-style: chr11-1281932-C-T.
Identifiers: ClinVar variation 164013 (VCV000164013.33), dbSNP rs61734215, ClinGen allele CA176785.